The following is an entry in ClinVar:

ClinVar aggregate classification (germline): Uncertain significance. Review status: criteria provided, multiple submitters, no conflicts (2 of 4 stars). 2 submissions from 2 submitters: Uncertain significance (2). Last evaluated 2025-04-15.

Conditions:
Cardiovascular phenotype. Identifiers: MedGen CN230736.
Dilated cardiomyopathy 1O (CMD1O). Also called: CARDIOMYOPATHY, DILATED, WITH VENTRICULAR TACHYCARDIA. Identifiers: Orphanet 154, MedGen C1837839, MONDO:0012062, OMIM 608569.

Allele frequency attached by ClinVar (database versions not stated): gnomAD exomes 0.00001.
gnomAD v4.1: 6 of 1,613,470 alleles (0.00037%); highest among the groups gnomAD compares: Non-Finnish European, 0.00051%; no homozygotes.

Submissions (2):

Ambry Genetics
Classification: Uncertain significance for Cardiovascular phenotype. Last evaluated: 2025-04-15. Review status: criteria provided, single submitter. Criteria: Ambry Variant Classification Scheme 2023. Collection method: clinical testing. Allele origin: germline.
Comment: The p.I297V variant (also known as c.889A>G), located in coding exon 6 of the ABCC9 gene, results from an A to G substitution at nucleotide position 889. The isoleucine at codon 297 is replaced by valine, an amino acid with highly similar properties. This amino acid position is highly conserved in available vertebrate species. In addition, the in silico prediction for this alteration is inconclusive. Based on the available evidence, the clinical significance of this variant remains unclear.

Labcorp Genetics (formerly Invitae), Labcorp
Classification: Uncertain significance for Dilated cardiomyopathy 1O. Last evaluated: 2019-02-12. Review status: criteria provided, single submitter. Criteria: Invitae Variant Classification Sherloc (09022015). Collection method: clinical testing. Allele origin: germline.
Comment: In summary, the available evidence is currently insufficient to determine the role of this variant in disease. Therefore, it has been classified as a Variant of Uncertain Significance. Algorithms developed to predict the effect of missense changes on protein structure and function are either unavailable or do not agree on the potential impact of this missense change (SIFT: "Deleterious"; PolyPhen-2: "Benign"; Align-GVGD: "Class C0"). This variant has not been reported in the literature in individuals with ABCC9-related conditions. This variant is not present in population databases (ExAC no frequency). This sequence change replaces isoleucine with valine at codon 297 of the ABCC9 protein (p.Ile297Val). The isoleucine residue is highly conserved and there is a small physicochemical difference between isoleucine and valine.

NM_020297.4(ABCC9):c.889A>G (p.Ile297Val)

Gene: ABCC9 (ATP binding cassette subfamily C member 9; minus strand). Cytogenetic location: 12p12.1.
Variant type: single nucleotide variant.
Coding change: c.889A>G on transcript NM_020297.4 (MANE Select); coding-DNA position 889, A replaced by G.
Protein change: p.Ile297Val; replaces isoleucine 297 with valine.
Molecular consequence: missense variant.
Genome position (GRCh38, 1-based): chr12:21,912,994, T>C on the plus strand (A>G on the coding strand, the complement: ABCC9 is on the minus strand). VCF-style: chr12-21912994-T-C. GRCh37 (hg19) VCF-style: chr12-22065928-T-C.
Other names: c.889A>G, p.Ile297Val (NM_001377273.1, NM_005691.4); c.25A>G, p.Ile9Val (NM_001377274.1); c.889A>G (NM_005691.2); short protein forms I297V, I9V.
Identifiers: ClinVar variation 835816 (VCV000835816.10), dbSNP rs895776110, ClinGen allele CA233611590.
Genomic context (GRCh38, chr12:21,912,994, plus strand): 5'-AAAGAGGTCCAGCAAAACCCAGTAAATCAGCCAGATAGCGGAATGTGCTACTAAGTAGAA[T>C]TGGTCGCCCAAAAGCTCTGTACATTGCAAGCCATATAGATGGAGTCCGATTTGGATGATC-3'
Protein context (NP_064693.2, residues 287-307): LAMYRAFGRP[Ile297Val]LLSSTFRYLA